The following is an entry in ClinVar:

ClinVar aggregate classification (germline): Benign. Review status: criteria provided, multiple submitters, no conflicts (2 of 4 stars). 12 submissions from 9 submitters: Benign (9). 3 of the submissions do not count toward it. Last evaluated 2026-02-04.

Conditions:
Developmental and epileptic encephalopathy, 13 (DEE13). Also called: Developmental and Epileptic Encephalopathy (SCN8A-DEE); SCN8A-Related Epilepsy; Early infantile epileptic encephalopathy 13. Identifiers: Orphanet 442835, MedGen C3281191, MONDO:0013801, OMIM 614558.
Early-infantile DEE. Also called: Early infantile epileptic encephalopathy; Ohtahara syndrome; Early infantile epileptic encephalopathy with suppression bursts. Identifiers: Orphanet 1934, MedGen C0393706, MONDO:0800491.
Seizures, benign familial infantile, 5 (BFIS5). Also called: CONVULSIONS, BENIGN FAMILIAL INFANTILE, 5. Identifiers: Orphanet 306, MedGen C4310728, MONDO:0014903, OMIM 617080.
Myoclonus, familial, 2. Identifiers: MedGen C5193056, MONDO:0100092, OMIM 618364.
Cognitive impairment with or without cerebellar ataxia (CIAT). Identifiers: MedGen C3280415, MONDO:0013680, OMIM 614306.

Allele frequency attached by ClinVar (database versions not stated): ExAC 0.79146; ESP Exome Variant Server 0.75490; TOPMed 0.75728; gnomAD 0.76231 and 0.76481; gnomAD exomes 0.82810 and 0.80745; 1000 Genomes Project 30x 0.70097; 1000 Genomes Project 0.70747.
gnomAD v4.1: 1,242,833 of 1,513,632 alleles (82%); highest among the groups gnomAD compares: East Asian, 90%; 516,757 homozygotes.

Submissions (12):

Labcorp Genetics (formerly Invitae), Labcorp
Classification: Benign for Early-infantile DEE. Last evaluated: 2026-02-04. Review status: criteria provided, single submitter. Criteria: Invitae Variant Classification Sherloc (09022015). Collection method: clinical testing. Allele origin: germline.

Unidad de Genómica Garrahan, Hospital de Pediatría Garrahan
Classification: Benign. Last evaluated: 2024-07-15. Review status: criteria provided, single submitter. Criteria: ACMG Guidelines, 2015. Collection method: clinical testing. Allele origin: germline. Affected: no. Observed: 89 variant alleles.
Comment: This variant is classified as Benign based on local population frequency. This variant was detected in 96% of patients studied in a panel designed for Epileptic and Developmental Encephalopathy and Progressive Myoclonus Epilepsy. Number of patients: 89. Only high quality variants are reported.

Genome-Nilou Lab
Classification: Benign for Myoclonus, familial, 2. Last evaluated: 2021-07-15. Review status: criteria provided, single submitter. Criteria: ACMG Guidelines, 2015. Collection method: clinical testing. Allele origin: germline. Affected: no.

Genome-Nilou Lab
Classification: Benign for Cognitive impairment with or without cerebellar ataxia. Last evaluated: 2021-07-15. Review status: criteria provided, single submitter. Criteria: ACMG Guidelines, 2015. Collection method: clinical testing. Allele origin: germline. Affected: no.

Genome-Nilou Lab
Classification: Benign for Developmental and epileptic encephalopathy, 13. Last evaluated: 2021-07-15. Review status: criteria provided, single submitter. Criteria: ACMG Guidelines, 2015. Collection method: clinical testing. Allele origin: germline. Affected: no.

Genome-Nilou Lab
Classification: Benign for Seizures, benign familial infantile, 5. Last evaluated: 2021-07-15. Review status: criteria provided, single submitter. Criteria: ACMG Guidelines, 2015. Collection method: clinical testing. Allele origin: germline. Affected: no.

GeneDx
Classification: Benign. Last evaluated: 2015-03-03. Review status: criteria provided, single submitter. Criteria: GeneDx Variant Classification Process June 2021. Collection method: clinical testing. Allele origin: germline. Affected: yes.

Breakthrough Genomics
Classification: Benign. Review status: criteria provided, single submitter. Criteria: ACMG Guidelines, 2015. Collection method: not provided. Allele origin: germline. Inheritance: Autosomal dominant inheritance. Affected: yes.

PreventionGenetics, part of Exact Sciences
Classification: Benign. Review status: criteria provided, single submitter. Criteria: ACMG Guidelines, 2015. Collection method: clinical testing. Allele origin: germline.

Clinical Genetics DNA and cytogenetics Diagnostics Lab, Erasmus MC, Erasmus Medical Center
Classification: Benign. Review status: no assertion criteria provided. Collection method: clinical testing. Allele origin: germline. Affected: yes. Study: VKGL Data-share Consensus. Not counted in ClinVar's aggregate classification.

Diagnostic Laboratory, Department of Genetics, University Medical Center Groningen
Classification: Benign. Review status: no assertion criteria provided. Collection method: clinical testing. Allele origin: germline. Affected: yes. Study: VKGL Data-share Consensus. Not counted in ClinVar's aggregate classification.

Joint Genome Diagnostic Labs from Nijmegen and Maastricht, Radboudumc and MUMC+
Classification: Benign. Review status: no assertion criteria provided. Collection method: clinical testing. Allele origin: germline. Affected: yes. Study: VKGL Data-share Consensus. Not counted in ClinVar's aggregate classification.

NM_001330260.2(SCN8A):c.3490+20G>A

Gene: SCN8A (sodium voltage-gated channel alpha subunit 8; plus strand). Cytogenetic location: 12q13.13.
Variant type: single nucleotide variant.
Coding change: c.3490+20G>A on transcript NM_001330260.2 (MANE Select); 20 bases into the intron after coding-DNA position 3490, G replaced by A.
Molecular consequence: intron variant.
Genome position (GRCh38, 1-based): chr12:51,770,005, G>A. VCF-style: chr12-51770005-G-A. GRCh37 (hg19) VCF-style: chr12-52163789-G-A.
Other names: c.3490+20G>A (NM_014191.4, NM_001177984.3, NM_001369788.1).
Identifiers: ClinVar variation 260352 (VCV000260352.24), dbSNP rs303808, ClinGen allele CA6571607.
Genomic context (GRCh38, chr12:51,770,005, plus strand): 5'-GCCTGAGGAATACTTGGATCCAGATGCCTGCTTCACAGAAGGTGAAAGGGGATGAGGAGC[G>A]GATGGGCTGGGGACACTCGTGTTGCTCACAGACACAGTTGTGCCAGGGCTAGTGGTGGGT-3'